The following is an entry in ClinVar:

ClinVar aggregate classification (germline): Uncertain significance (1 of 4 stars; one submission).

Conditions:
POLD1-related polyposis and colorectal cancer syndrome (CRCS10). Also called: Colorectal cancer 10; COLORECTAL CANCER, SUSCEPTIBILITY TO, ON CHROMOSOME 19q; Colorectal cancer, susceptibility to, 10. Identifiers: Orphanet 220460, MedGen C2675481, MONDO:0012953, OMIM 612591.

Submission:

Labcorp Genetics (formerly Invitae), Labcorp
Classification: Uncertain significance for POLD1-related polyposis and colorectal cancer syndrome. Last evaluated: 2022-11-15. Review status: criteria provided, single submitter. Criteria: Invitae Variant Classification Sherloc (09022015). Collection method: clinical testing. Allele origin: germline.
Comment: In summary, the available evidence is currently insufficient to determine the role of this variant in disease. Therefore, it has been classified as a Variant of Uncertain Significance. Advanced modeling of protein sequence and biophysical properties (such as structural, functional, and spatial information, amino acid conservation, physicochemical variation, residue mobility, and thermodynamic stability) performed at Invitae indicates that this missense variant is expected to disrupt POLD1 protein function. This variant has not been reported in the literature in individuals affected with POLD1-related conditions. This variant is not present in population databases (gnomAD no frequency). This sequence change replaces alanine, which is neutral and non-polar, with threonine, which is neutral and polar, at codon 308 of the POLD1 protein (p.Ala308Thr).

NM_002691.4(POLD1):c.922G>A (p.Ala308Thr)

Gene: POLD1 (DNA polymerase delta 1, catalytic subunit; plus strand). Cytogenetic location: 19q13.33.
Variant type: single nucleotide variant.
Coding change: c.922G>A on transcript NM_002691.4 (MANE Select); coding-DNA position 922, G replaced by A.
Protein change: p.Ala308Thr; replaces alanine 308 with threonine.
Molecular consequence: missense variant. On other transcripts: non-coding transcript variant (1).
Genome position (GRCh38, 1-based): chr19:50,402,693, G>A. VCF-style: chr19-50402693-G-A. GRCh37 (hg19) VCF-style: chr19-50905950-G-A.
Other names: c.922G>A, p.Ala308Thr (NM_001256849.1, NM_001308632.1); short protein forms A308T.
Identifiers: ClinVar variation 1977961 (VCV001977961.5), dbSNP rs2122258884, ClinGen allele CA406977164.